The following is an entry in ClinVar:

ClinVar aggregate classification (germline): Likely pathogenic (1 of 4 stars; one submission).

Conditions:
Alport syndrome. Also called: Hemorrhagic familial nephritis; Hemorrhagic hereditary nephritis; Congenital hereditary hematuria. Identifiers: Orphanet 63, MedGen C1567741, MONDO:0018965.

gnomAD v4.1: 2 of 1,610,282 alleles (0.00012%); highest among the groups gnomAD compares: Non-Finnish European, 0.00017%; no homozygotes.

Submission:

Victorian Clinical Genetics Services, Murdoch Childrens Research Institute
Classification: Likely pathogenic for Alport syndrome. Last evaluated: 2026-02-02. Review status: criteria provided, single submitter. Criteria: ACMG Guidelines, 2015. Collection method: clinical testing. Allele origin: germline. Affected: yes.
Comment: This variant is classified as Likely pathogenic. Evidence in support of pathogenic classification: Variant is present in gnomAD <0.01 (v4: 2 heterozygote(s), 0 homozygote(s)); Another missense variant comparable to the one identified in this case has limited previous evidence for pathogenicity. p.(Gly55Arg) has been classified as likely pathogenic by a clinical laboratory in ClinVar; Variant is located in the well-established functional Gly-X-Y motif in the collagen triple helical domain (DECIPHER); Missense variant predicted to be damaging by in silico tool(s) or highly conserved with a major amino acid change. Additional information: Variant is predicted to result in a missense amino acid change from Gly to Glu; This variant is heterozygous; This gene is associated with both recessive and dominant Alport syndrome (MONDO:0018965), COL4A3-related; This variant has no previous evidence of pathogenicity; No published evidence of segregation with disease has been identified for this variant; No published functional evidence has been identified for this variant; Loss of function is a known mechanisms of disease in this gene and is associated with Alport syndrome (MONDO:0018965), COL4A3-related. Dominant negative is a suspected mechanism of disease for glycine changes that are part of a G-X-Y repeat in the triple helix of a collagen domain (PMIDs: 12028435, 24046192, 38214412); Inheritance information for this variant is not currently available in this individual.

Literature cited by the submitters: PubMed 24046192; PubMed 38214412; PubMed 12028435.

NM_000091.5(COL4A3):c.164G>A (p.Gly55Glu)

Genes: COL4A3 (collagen type IV alpha 3 chain; plus strand), MFF-DT (MFF divergent transcript; minus strand). Cytogenetic location: 2q36.3.
Variant type: single nucleotide variant.
Coding change: c.164G>A on transcript NM_000091.5 (MANE Select); coding-DNA position 164, G replaced by A.
Protein change: p.Gly55Glu; replaces glycine 55 with glutamic acid.
Molecular consequence: missense variant.
Genome position (GRCh38, 1-based): chr2:227,240,162, G>A. VCF-style: chr2-227240162-G-A. GRCh37 (hg19) VCF-style: chr2-228104878-G-A.
Other names: short protein forms G55E.
Identifiers: ClinVar variation 4818983 (VCV004818983.1).